The following is an entry in ClinVar:

NM_001199397.3(NEK1):c.3583+5A>C

Gene: NEK1 (NIMA related kinase 1; minus strand). Cytogenetic location: 4q33.
Variant type: single nucleotide variant.
Coding change: c.3583+5A>C on transcript NM_001199397.3 (MANE Select); 5 bases into the intron after coding-DNA position 3583, A replaced by C.
Molecular consequence: intron variant.
Genome position (GRCh38, 1-based): chr4:169,401,647, T>G on the plus strand (A>C on the coding strand, the complement: NEK1 is on the minus strand). VCF-style: chr4-169401647-T-G. GRCh37 (hg19) VCF-style: chr4-170322798-T-G.
Other names: c.3100+5A>C (NM_001374421.1); c.3448+5A>C (NM_001374420.1); c.3292+5A>C (NM_001199399.3); c.3451+5A>C (NM_001199398.3); c.3499+5A>C (NM_001374419.1, NM_012224.4); c.3367+5A>C (NM_001199400.3); c.3583+5A>C (NM_001374418.1).
Identifiers: ClinVar variation 3626151 (VCV003626151.2).

ClinVar aggregate classification (germline): Uncertain significance (1 of 4 stars; one submission).

Conditions:
Short-rib thoracic dysplasia 6 with or without polydactyly (SRTD6). Also called: POLYDACTYLY WITH NEONATAL CHONDRODYSTROPHY, TYPE II; SHORT RIB-POLYDACTYLY SYNDROME, TYPE IIA; SHORT-RIB THORACIC DYSPLASIA 6 WITH POLYDACTYLY; SHORT-RIB THORACIC DYSPLASIA 6 WITHOUT POLYDACTYLY; Majewski Syndrome. Identifiers: MedGen C0024507, MONDO:0009894, OMIM 263520.

Submission:

Labcorp Genetics (formerly Invitae), Labcorp
Classification: Uncertain significance for Short-rib thoracic dysplasia 6 with or without polydactyly. Last evaluated: 2024-11-07. Review status: criteria provided, single submitter. Criteria: Invitae Variant Classification Sherloc (09022015). Collection method: clinical testing. Allele origin: germline.
Comment: This sequence change falls in intron 31 of the NEK1 gene. It does not directly change the encoded amino acid sequence of the NEK1 protein. It affects a nucleotide within the consensus splice site. This variant is not present in population databases (gnomAD no frequency). This variant has not been reported in the literature in individuals affected with NEK1-related conditions. Variants that disrupt the consensus splice site are a relatively common cause of aberrant splicing (PMID: 17576681, 9536098). Algorithms developed to predict the effect of sequence changes on RNA splicing suggest that this variant is not likely to affect RNA splicing. In summary, the available evidence is currently insufficient to determine the role of this variant in disease. Therefore, it has been classified as a Variant of Uncertain Significance.

Literature cited by the submitters: PubMed 17576681; PubMed 9536098.